The following is an entry in ClinVar:

NM_003803.4(MYOM1):c.287A>G (p.His96Arg)

Gene: MYOM1 (myomesin 1; minus strand). Cytogenetic location: 18p11.31.
Variant type: single nucleotide variant.
Coding change: c.287A>G on transcript NM_003803.4 (MANE Select); coding-DNA position 287, A replaced by G.
Protein change: p.His96Arg; replaces histidine 96 with arginine.
Molecular consequence: missense variant.
Genome position (GRCh38, 1-based): chr18:3,214,937, T>C on the plus strand (A>G on the coding strand, the complement: MYOM1 is on the minus strand). VCF-style: chr18-3214937-T-C. GRCh37 (hg19) VCF-style: chr18-3214935-T-C.
Other names: c.287A>G, p.His96Arg (NM_019856.2); short protein forms H96R.
Identifiers: ClinVar variation 1797144 (VCV001797144.2), dbSNP rs1291026694, ClinGen allele CA401717913.

ClinVar aggregate classification (germline): Uncertain significance (1 of 4 stars; one submission).

Allele frequency attached by ClinVar (database versions not stated): gnomAD exomes below 0.00001; TOPMed 0.00001.
gnomAD v4.1: 1 of 1,594,280 alleles (0.000063%); highest among the groups gnomAD compares: South Asian, 0.0011%; no homozygotes.

Submission:

Ambry Genetics
Classification: Uncertain significance. Last evaluated: 2021-09-26. Review status: criteria provided, single submitter. Criteria: Ambry Variant Classification Scheme 2023. Collection method: clinical testing. Allele origin: germline.
Comment: The p.H96R variant (also known as c.287A>G), located in coding exon 1 of the MYOM1 gene, results from an A to G substitution at nucleotide position 287. The histidine at codon 96 is replaced by arginine, an amino acid with highly similar properties. This amino acid position is conserved. In addition, this alteration is predicted to be tolerated by in silico analysis. Since supporting evidence is limited at this time, the clinical significance of this alteration remains unclear.